The following is an entry in ClinVar:

NM_001267550.2(TTN):c.2573C>A (p.Ser858Ter)

Gene: TTN (titin; minus strand). Cytogenetic location: 2q31.2.
Variant type: single nucleotide variant.
Coding change: c.2573C>A on transcript NM_001267550.2 (MANE Select); coding-DNA position 2573, C replaced by A.
Protein change: p.Ser858Ter; replaces serine 858 with a stop codon.
Molecular consequence: nonsense.
Genome position (GRCh38, 1-based): chr2:178,784,272, G>T on the plus strand (C>A on the coding strand, the complement: TTN is on the minus strand). VCF-style: chr2-178784272-G-T. GRCh37 (hg19) VCF-style: chr2-179648999-G-T.
Other names: c.2435C>A, p.Ser812Ter (NM_003319.4, NM_133432.3, NM_133437.4); c.2573C>A, p.Ser858Ter (NM_133378.4, NM_133379.5, NM_001256850.1); short protein forms S858*, S812*.
Identifiers: ClinVar variation 393210 (VCV000393210.4), dbSNP rs772294126, ClinGen allele CA16604057.

ClinVar aggregate classification (germline): Conflicting classifications of pathogenicity. Review status: criteria provided, conflicting classifications (1 of 4 stars). 2 submissions from 2 submitters: Likely pathogenic (1); Uncertain significance (1). Last evaluated 2024-03-18.

Conditions:
Autosomal recessive limb-girdle muscular dystrophy type 2J (LGMDR10). Also called: Limb-girdle muscular dystrophy, type 2J; MUSCULAR DYSTROPHY, LIMB-GIRDLE, AUTOSOMAL RECESSIVE 10. Identifiers: Orphanet 140922, MedGen C1837342, MONDO:0012127, OMIM 608807.
Dilated cardiomyopathy 1G (CMD1G). Identifiers: Orphanet 154, MedGen C1858763, MONDO:0011400, OMIM 604145.

Submissions (2):

Labcorp Genetics (formerly Invitae), Labcorp
Classification: Likely pathogenic for Dilated cardiomyopathy 1G; Autosomal recessive limb-girdle muscular dystrophy type 2J. Last evaluated: 2024-03-18. Review status: criteria provided, single submitter. Criteria: Invitae Variant Classification Sherloc (09022015). Collection method: clinical testing. Allele origin: germline.
Comment: This sequence change creates a premature translational stop signal (p.Ser858*) in the TTN gene. While this is not anticipated to result in nonsense mediated decay, it is expected to create a truncated TTN protein. This variant is not present in population databases (gnomAD no frequency). This variant has not been reported in the literature in individuals affected with TTN-related conditions. ClinVar contains an entry for this variant (Variation ID: 393210). This variant is located in the Z band of TTN (PMID: 25589632). Truncating variants in this region have been reported in individuals affected with autosomal recessive centronuclear myopathy (PMID: 33449170, Invitae internal data). Truncating variants in this region have also been identified in individuals affected with autosomal dominant dilated cardiomyopathy and/or cardio-related conditions (PMID: 27869827, 32964742, Invitae internal data). In summary, the currently available evidence indicates that the variant is pathogenic, but additional data are needed to prove that conclusively. Therefore, this variant has been classified as Likely Pathogenic.

GeneDx
Classification: Uncertain significance. Last evaluated: 2017-01-31. Review status: criteria provided, single submitter. Criteria: GeneDx Variant Classification (06012015). Collection method: clinical testing. Allele origin: germline. Affected: yes.
Comment: A variant of uncertain significance has been identified in the TTN gene. The S858X variant has not been published as pathogenic or been reported as benign to our knowledge. This variant is not observed in large population cohorts (Lek et al., 2016; 1000 Genomes Consortium et al., 2015; Exome Variant Server). The S858X variant is predicted to cause loss of normal protein function either due to production of an abnormal, prematurely truncated protein, or by absence of protein product due to nonsense mediated mRNA decay. However, other truncating TTN variants have been reported in approximately 3% of control alleles and the S858X variant is not located in the A-band region of titin, where the majority of truncating pathogenic variants associated with DCM have been reported (Herman et al., 2012).

Literature cited by the submitters: PubMed 25589632 (cited by Labcorp Genetics (formerly Invitae), Labcorp); PubMed 33449170 (cited by Labcorp Genetics (formerly Invitae), Labcorp); PubMed 27869827 (cited by Labcorp Genetics (formerly Invitae), Labcorp); PubMed 32964742 (cited by Labcorp Genetics (formerly Invitae), Labcorp).